The following is an entry in ClinVar:

ClinVar aggregate classification (germline): Likely benign (1 of 4 stars; one submission).

Submission:

CeGaT Center for Human Genetics Tuebingen
Classification: Likely benign. Last evaluated: 2023-03-01. Review status: criteria provided, single submitter. Criteria: CeGaT Center For Human Genetics Tuebingen Variant Classification Criteria Version 2. Collection method: clinical testing. Allele origin: germline. Affected: yes. Observed: 1 variant allele.
Comment: UMODL1: BP4, BP7

NM_001004416.3(UMODL1):c.3537T>G (p.Pro1179=)

Gene: UMODL1 (uromodulin like 1; plus strand). Cytogenetic location: 21q22.3.
Variant type: single nucleotide variant.
Coding change: c.3537T>G on transcript NM_001004416.3 (MANE Select); coding-DNA position 3537, T replaced by G.
Protein change: p.Pro1179=; no amino-acid change (proline 1179 retained).
Molecular consequence: synonymous variant.
Genome position (GRCh38, 1-based): chr21:42,127,678, T>G. VCF-style: chr21-42127678-T-G. GRCh37 (hg19) VCF-style: chr21-43547788-T-G.
Other names: c.3705T>G, p.Pro1235= (NM_001199527.3); c.3321T>G, p.Pro1107= (NM_001199528.4); c.3921T>G, p.Pro1307= (NM_173568.4).
Identifiers: ClinVar variation 2652703 (VCV002652703.24), dbSNP rs220158, ClinGen allele CA10040551.